The following is an entry in ClinVar:

NM_000214.3(JAG1):c.2073T>C (p.Cys691=)

Gene: JAG1 (jagged canonical Notch ligand 1; minus strand). Cytogenetic location: 20p12.2.
Variant type: single nucleotide variant.
Coding change: c.2073T>C on transcript NM_000214.3 (MANE Select); coding-DNA position 2073, T replaced by C.
Protein change: p.Cys691=; no amino-acid change (cysteine 691 retained).
Molecular consequence: synonymous variant.
Genome position (GRCh38, 1-based): chr20:10,645,396, A>G on the plus strand (T>C on the coding strand, the complement: JAG1 is on the minus strand). VCF-style: chr20-10645396-A-G. GRCh37 (hg19) VCF-style: chr20-10626044-A-G.
Other names: p.Cys691=; c.2073T>C, p.Cys691= (LRG_1191t1).
Identifiers: ClinVar variation 289536 (VCV000289536.27), dbSNP rs200648035, ClinGen allele CA9764660.

ClinVar aggregate classification (germline): Benign/Likely benign. Review status: criteria provided, multiple submitters, no conflicts (2 of 4 stars). 10 submissions from 10 submitters: Benign (2); Likely benign (6). 2 of the submissions do not count toward it. Last evaluated 2026-01-12.

Conditions:
Isolated Nonsyndromic Congenital Heart Disease.
Charcot-Marie-Tooth disease, axonal, Type 2HH. Also called: CHARCOT-MARIE-TOOTH NEUROPATHY, TYPE 2HH. Identifiers: MedGen C5562003, MONDO:0030458, OMIM 619574.
Deafness, congenital heart defects, and posterior embryotoxon (DCHE). Identifiers: MedGen C1866053, MONDO:0060713, OMIM 617992.
Tetralogy of Fallot (TOF). Identifiers: Orphanet 3303, MedGen C0039685, MONDO:0008542, OMIM 187500, HP:0001636.
Alagille syndrome due to a JAG1 point mutation. Also called: HEPATIC DUCTULAR HYPOPLASIA, SYNDROMATIC; JAG1-Related Alagille Syndrome; Alagille Syndrome 1. Identifiers: Orphanet 261619, Orphanet 52, MedGen C1956125, MONDO:0016862, OMIM 118450.
Cardiovascular phenotype. Identifiers: MedGen CN230736.

Allele frequency attached by ClinVar (database versions not stated): gnomAD exomes 0.00011 and 0.00043; gnomAD 0.00019 and 0.00026; TOPMed 0.00020; ExAC 0.00045; 1000 Genomes Project 30x 0.00094; 1000 Genomes Project 0.00120.
gnomAD v4.1: 236 of 1,612,570 alleles (0.015%); highest among the groups gnomAD compares: East Asian, 0.43%; no homozygotes.

Submissions (10):

Labcorp Genetics (formerly Invitae), Labcorp
Classification: Likely benign for Alagille syndrome due to a JAG1 point mutation. Last evaluated: 2026-01-12. Review status: criteria provided, single submitter. Criteria: Invitae Variant Classification Sherloc (09022015). Collection method: clinical testing. Allele origin: germline.

Mayo Clinic Laboratories, Mayo Clinic
Classification: Likely benign. Last evaluated: 2025-09-08. Review status: criteria provided, single submitter. Criteria: ACMG Guidelines, 2015. Collection method: clinical testing. Allele origin: germline. Observed: 2 variant alleles.
Comment: BA1, BP4, BP7

Blueprint Genetics
Classification: Likely benign. Last evaluated: 2024-10-21. Review status: criteria provided, single submitter. Criteria: ACMG Guidelines, 2015. Collection method: clinical testing. Allele origin: germline.

Ambry Genetics
Classification: Likely benign for Cardiovascular phenotype. Last evaluated: 2022-02-20. Review status: criteria provided, single submitter. Criteria: Ambry Variant Classification Scheme 2023. Collection method: clinical testing. Allele origin: germline.

Fulgent Genetics
Classification: Likely benign for Alagille syndrome due to a JAG1 point mutation; Tetralogy of Fallot; Deafness, congenital heart defects, and posterior embryotoxon; Charcot-Marie-Tooth disease, axonal, Type 2HH. Last evaluated: 2021-09-17. Review status: criteria provided, single submitter. Criteria: ACMG Guidelines, 2015. Collection method: clinical testing. Allele origin: unknown.

GeneDx
Classification: Likely benign. Last evaluated: 2018-07-10. Review status: criteria provided, single submitter. Criteria: GeneDx Variant Classification Process June 2021. Collection method: clinical testing. Allele origin: germline. Affected: yes.

Illumina Laboratory Services, Illumina
Classification: Benign for Isolated Nonsyndromic Congenital Heart Disease. Last evaluated: 2018-01-12. Review status: criteria provided, single submitter. Criteria: ICSL Variant Classification Criteria 13 December 2019. Collection method: clinical testing. Allele origin: germline.
Comment: This variant was observed in the ICSL laboratory as part of a predisposition screen in an ostensibly healthy population. It had not been previously curated by ICSL or reported in the Human Gene Mutation Database (HGMD: prior to June 1st, 2018), and was therefore a candidate for classification through an automated scoring system. Utilizing variant allele frequency, disease prevalence and penetrance estimates, and inheritance mode, an automated score was calculated to assess if this variant is too frequent to cause the disease. Based on the score and internal cut-off values, a variant classified as benign is not then subjected to further curation. The score for this variant resulted in a classification of benign for this disease.

Eurofins Ntd Llc (ga)
Classification: Benign. Last evaluated: 2016-07-14. Review status: criteria provided, single submitter. Criteria: EGL Classification Definitions 2015. Collection method: clinical testing. Allele origin: germline. Observed: 1 variant allele, 1 heterozygote.

Clinical Genetics DNA and cytogenetics Diagnostics Lab, Erasmus MC, Erasmus Medical Center
Classification: Likely benign. Review status: no assertion criteria provided. Collection method: clinical testing. Allele origin: germline. Affected: yes. Study: VKGL Data-share Consensus. Not counted in ClinVar's aggregate classification.

Clinical Genetics, Academic Medical Center
Classification: Benign. Review status: no assertion criteria provided. Collection method: clinical testing. Allele origin: germline. Affected: yes. Study: VKGL Data-share Consensus. Not counted in ClinVar's aggregate classification.